The following is an entry in ClinVar:

ClinVar aggregate classification (germline): Uncertain significance (1 of 4 stars; one submission).

Conditions:
Immunodeficiency 35 (IMD35). Also called: TYK2 DEFICIENCY; HIES WITH ATYPICAL MYCOBACTERIOSIS, AUTOSOMAL RECESSIVE; HYPER-IgE SYNDROME WITH ATYPICAL MYCOBACTERIOSIS, AUTOSOMAL RECESSIVE; Susceptibility to infection due to TYK2 deficiency. Identifiers: Orphanet 331226, MedGen C1969086, MONDO:0012682, OMIM 611521.

Submission:

Labcorp Genetics (formerly Invitae), Labcorp
Classification: Uncertain significance for Immunodeficiency 35. Last evaluated: 2021-07-17. Review status: criteria provided, single submitter. Criteria: Invitae Variant Classification Sherloc (09022015). Collection method: clinical testing. Allele origin: germline.
Comment: This sequence change replaces serine with proline at codon 1182 of the TYK2 protein (p.Ser1182Pro). The serine residue is highly conserved and there is a moderate physicochemical difference between serine and proline. In summary, the available evidence is currently insufficient to determine the role of this variant in disease. Therefore, it has been classified as a Variant of Uncertain Significance. Algorithms developed to predict the effect of missense changes on protein structure and function are either unavailable or do not agree on the potential impact of this missense change (SIFT: "Not Available"; PolyPhen-2: "Probably Damaging"; Align-GVGD: "Not Available"). This variant has not been reported in the literature in individuals affected with TYK2-related conditions. This variant is not present in population databases (ExAC no frequency).

NM_003331.5(TYK2):c.3544T>C (p.Ser1182Pro)

Gene: TYK2 (tyrosine kinase 2; minus strand). Cytogenetic location: 19p13.2.
Variant type: single nucleotide variant.
Coding change: c.3544T>C on transcript NM_003331.5 (MANE Select); coding-DNA position 3544, T replaced by C.
Protein change: p.Ser1182Pro; replaces serine 1182 with proline.
Molecular consequence: missense variant.
Genome position (GRCh38, 1-based): chr19:10,350,854, A>G on the plus strand (T>C on the coding strand, the complement: TYK2 is on the minus strand). VCF-style: chr19-10350854-A-G. GRCh37 (hg19) VCF-style: chr19-10461530-A-G.
Other names: c.3433T>C, p.Ser1145Pro (NM_001385197.1); c.3394T>C, p.Ser1132Pro (NM_001385198.1); c.3358T>C, p.Ser1120Pro (NM_001385199.1); c.3541T>C, p.Ser1181Pro (NM_001385200.1); c.3346T>C, p.Ser1116Pro (NM_001385201.1); c.3460T>C, p.Ser1154Pro (NM_001385202.1); c.3625T>C, p.Ser1209Pro (NM_001385203.1); c.3754T>C, p.Ser1252Pro (NM_001385204.1); and 3 more; short protein forms S1120P, S1152P, S1154P, S1176P, S1181P, S1182P, S1132P, S1252P.
Identifiers: ClinVar variation 1470660 (VCV001470660.8), dbSNP rs1311022826, ClinGen allele CA403979530.